The following is an entry in ClinVar:

ClinVar aggregate classification (germline): Uncertain significance. Review status: criteria provided, multiple submitters, no conflicts (2 of 4 stars). 2 submissions from 2 submitters: Uncertain significance (2). Last evaluated 2024-05-11.

Conditions:
Ataxia-telangiectasia syndrome (AT). Also called: LOUIS-BAR SYNDROME; Ataxia-telangiectasia, complementation group E; Ataxia-telangiectasia, complementation group D; AT, COMPLEMENTATION GROUP C; Ataxia telangiectasia (A-T); Cerebello-oculocutaneous telangiectasia. Identifiers: Orphanet 100, MedGen C0004135, MONDO:0008840, OMIM 208900.
Hereditary cancer-predisposing syndrome. Also called: Neoplastic Syndromes, Hereditary; Hereditary Cancer Syndrome; Hereditary neoplastic syndrome; Tumor predisposition. Identifiers: Orphanet 140162, MedGen C0027672, MeSH D009386, MONDO:0015356.

Submissions (2):

Ambry Genetics
Classification: Uncertain significance for Hereditary cancer-predisposing syndrome. Last evaluated: 2024-05-11. Review status: criteria provided, single submitter. Criteria: Ambry Variant Classification Scheme 2023. Collection method: clinical testing. Allele origin: germline.
Comment: The p.L612H variant (also known as c.1835T>A), located in coding exon 11 of the ATM gene, results from a T to A substitution at nucleotide position 1835. The leucine at codon 612 is replaced by histidine, an amino acid with similar properties. This amino acid position is highly conserved in available vertebrate species. In addition, this alteration is predicted to be deleterious by in silico analysis. Since supporting evidence is limited at this time, the clinical significance of this alteration remains unclear.

Labcorp Genetics (formerly Invitae), Labcorp
Classification: Uncertain significance for Ataxia-telangiectasia syndrome. Last evaluated: 2024-04-10. Review status: criteria provided, single submitter. Criteria: Invitae Variant Classification Sherloc (09022015). Collection method: clinical testing. Allele origin: germline.
Comment: This sequence change replaces leucine, which is neutral and non-polar, with histidine, which is basic and polar, at codon 612 of the ATM protein (p.Leu612His). This variant is not present in population databases (gnomAD no frequency). This variant has not been reported in the literature in individuals affected with ATM-related conditions. ClinVar contains an entry for this variant (Variation ID: 644452). An algorithm developed to predict the effect of missense changes on protein structure and function (PolyPhen-2) suggests that this variant is likely to be disruptive. In summary, the available evidence is currently insufficient to determine the role of this variant in disease. Therefore, it has been classified as a Variant of Uncertain Significance.

NM_000051.4(ATM):c.1835T>A (p.Leu612His)

Gene: ATM (ATM serine/threonine kinase; plus strand). Cytogenetic location: 11q22.3.
Variant type: single nucleotide variant.
Coding change: c.1835T>A on transcript NM_000051.4 (MANE Select); coding-DNA position 1835, T replaced by A.
Protein change: p.Leu612His; replaces leucine 612 with histidine.
Molecular consequence: missense variant.
Genome position (GRCh38, 1-based): chr11:108,252,849, T>A. VCF-style: chr11-108252849-T-A. GRCh37 (hg19) VCF-style: chr11-108123576-T-A.
Other names: c.1835T>A, p.Leu612His (NM_001351834.2); short protein forms L612H.
Identifiers: ClinVar variation 644452 (VCV000644452.12), dbSNP rs1555072474, ClinGen allele CA382535811.
Genomic context (GRCh38, chr11:108,252,849, plus strand): 5'-AAGTGAAGCTTTTTGTTTTTCTTTGTAGTAATTTTCCTCATCTTGTACTGGAGAAAATTC[T>A]TGTGAGTCTCACTATGAAAAACTGTAAAGCTGCAATGAATTTTTTCCAAAGCGTGCCAGA-3'
Protein context (NP_000042.3, residues 602-622): NFPHLVLEKI[Leu612His]VSLTMKNCKA